The following is an entry in ClinVar:

ClinVar aggregate classification (germline): Uncertain significance (1 of 4 stars; one submission).

gnomAD v4.1: 4 of 1,613,868 alleles (0.00025%); highest among the groups gnomAD compares: African/African-American, 0.004%; no homozygotes.

Submission:

GeneDx
Classification: Uncertain significance. Last evaluated: 2025-05-30. Review status: criteria provided, single submitter. Criteria: GeneDx Variant Classification Process June 2021. Collection method: clinical testing. Allele origin: germline. Affected: yes.
Comment: Not observed at significant frequency in large population cohorts (gnomAD); In silico analysis supports that this missense variant has a deleterious effect on protein structure/function; Has not been previously published as pathogenic or benign to our knowledge

NM_173500.4(TTBK2):c.724T>G (p.Tyr242Asp)

Gene: TTBK2 (tau tubulin kinase 2; minus strand). Cytogenetic location: 15q15.2.
Variant type: single nucleotide variant.
Coding change: c.724T>G on transcript NM_173500.4 (MANE Select); coding-DNA position 724, T replaced by G.
Protein change: p.Tyr242Asp; replaces tyrosine 242 with aspartic acid.
Molecular consequence: missense variant.
Genome position (GRCh38, 1-based): chr15:42,810,712, A>C on the plus strand (T>G on the coding strand, the complement: TTBK2 is on the minus strand). VCF-style: chr15-42810712-A-C. GRCh37 (hg19) VCF-style: chr15-43102910-A-C.
Other names: short protein forms Y242D.
Identifiers: ClinVar variation 4532608 (VCV004532608.1).